The following is an entry in ClinVar:

ClinVar aggregate classification (germline): Benign (0 of 4 stars; one submission).

Conditions:
CCDC18-related disorder. Also called: CCDC18-related condition.

Allele frequency attached by ClinVar (database versions not stated): ESP Exome Variant Server 0.09343; 1000 Genomes Project 0.09724; TOPMed 0.09968; 1000 Genomes Project 30x 0.10556.
gnomAD v4.1: 27,827 of 1,610,326 alleles (1.7%); highest among the groups gnomAD compares: African/African-American, 31%; 3,804 homozygotes.

Submissions 1 to 33 of 51:

PreventionGenetics, part of Exact Sciences
Classification: Benign for CCDC18-related condition. Last evaluated: 2019-04-09. Review status: no assertion criteria provided. Collection method: clinical testing. Allele origin: germline.
Comment: This variant is classified as benign based on ACMG/AMP sequence variant interpretation guidelines (Richards et al. 2015 PMID: 25741868, with internal and published modifications).

Dr. Peter K. Rogan Lab, Western University
No classification provided (evidence only). Condition: Lung cancer. Review status: no classification provided. Collection method: in vitro. Allele origin: not applicable. Functional consequence: skipped exon. Not counted in ClinVar's aggregate classification.

Dr. Peter K. Rogan Lab, Western University
No classification provided (evidence only). Condition: Lung cancer. Review status: no classification provided. Collection method: in vitro. Allele origin: not applicable. Functional consequence: retained intron. Not counted in ClinVar's aggregate classification.

Dr. Peter K. Rogan Lab, Western University
No classification provided (evidence only). Condition: Lung cancer. Review status: no classification provided. Collection method: in vitro. Allele origin: not applicable. Functional consequence: skipped exon. Not counted in ClinVar's aggregate classification.

Dr. Peter K. Rogan Lab, Western University
No classification provided (evidence only). Condition: Lung cancer. Review status: no classification provided. Collection method: in vitro. Allele origin: not applicable. Functional consequence: skipped exon. Not counted in ClinVar's aggregate classification.

Dr. Peter K. Rogan Lab, Western University
No classification provided (evidence only). Condition: Lung cancer. Review status: no classification provided. Collection method: in vitro. Allele origin: not applicable. Functional consequence: skipped exon. Not counted in ClinVar's aggregate classification.

Dr. Peter K. Rogan Lab, Western University
No classification provided (evidence only). Condition: Acute myeloid leukemia. Review status: no classification provided. Collection method: in vitro. Allele origin: not applicable. Functional consequence: retained intron. Not counted in ClinVar's aggregate classification.

Dr. Peter K. Rogan Lab, Western University
No classification provided (evidence only). Condition: Acute myeloid leukemia. Review status: no classification provided. Collection method: in vitro. Allele origin: not applicable. Functional consequence: retained intron. Not counted in ClinVar's aggregate classification.

Dr. Peter K. Rogan Lab, Western University
No classification provided (evidence only). Condition: Acute myeloid leukemia. Review status: no classification provided. Collection method: in vitro. Allele origin: not applicable. Functional consequence: skipped exon, retained intron. Not counted in ClinVar's aggregate classification.

Dr. Peter K. Rogan Lab, Western University
No classification provided (evidence only). Condition: Acute myeloid leukemia. Review status: no classification provided. Collection method: in vitro. Allele origin: not applicable. Functional consequence: retained intron. Not counted in ClinVar's aggregate classification.

Dr. Peter K. Rogan Lab, Western University
No classification provided (evidence only). Condition: Acute myeloid leukemia. Review status: no classification provided. Collection method: in vitro. Allele origin: not applicable. Functional consequence: retained intron. Not counted in ClinVar's aggregate classification.

Dr. Peter K. Rogan Lab, Western University
No classification provided (evidence only). Condition: Acute myeloid leukemia. Review status: no classification provided. Collection method: in vitro. Allele origin: not applicable. Functional consequence: retained intron. Not counted in ClinVar's aggregate classification.

Dr. Peter K. Rogan Lab, Western University
No classification provided (evidence only). Condition: Acute myeloid leukemia. Review status: no classification provided. Collection method: in vitro. Allele origin: not applicable. Functional consequence: retained intron. Not counted in ClinVar's aggregate classification.

Dr. Peter K. Rogan Lab, Western University
No classification provided (evidence only). Condition: Acute myeloid leukemia. Review status: no classification provided. Collection method: in vitro. Allele origin: not applicable. Functional consequence: skipped exon, retained intron. Not counted in ClinVar's aggregate classification.

Dr. Peter K. Rogan Lab, Western University
No classification provided (evidence only). Condition: Colon adenocarcinoma. Review status: no classification provided. Collection method: in vitro. Allele origin: not applicable. Functional consequence: retained intron. Not counted in ClinVar's aggregate classification.

Dr. Peter K. Rogan Lab, Western University
No classification provided (evidence only). Condition: Colon adenocarcinoma. Review status: no classification provided. Collection method: in vitro. Allele origin: not applicable. Functional consequence: skipped exon. Not counted in ClinVar's aggregate classification.

Dr. Peter K. Rogan Lab, Western University
No classification provided (evidence only). Condition: Colon adenocarcinoma. Review status: no classification provided. Collection method: in vitro. Allele origin: not applicable. Functional consequence: skipped exon. Not counted in ClinVar's aggregate classification.

Dr. Peter K. Rogan Lab, Western University
No classification provided (evidence only). Condition: Cervical cancer. Review status: no classification provided. Collection method: in vitro. Allele origin: not applicable. Functional consequence: skipped exon. Not counted in ClinVar's aggregate classification.

Dr. Peter K. Rogan Lab, Western University
No classification provided (evidence only). Condition: Cervical cancer. Review status: no classification provided. Collection method: in vitro. Allele origin: not applicable. Functional consequence: skipped exon. Not counted in ClinVar's aggregate classification.

Dr. Peter K. Rogan Lab, Western University
No classification provided (evidence only). Condition: Cervical cancer. Review status: no classification provided. Collection method: in vitro. Allele origin: not applicable. Functional consequence: skipped exon, retained intron. Not counted in ClinVar's aggregate classification.

Dr. Peter K. Rogan Lab, Western University
No classification provided (evidence only). Condition: Sarcoma. Review status: no classification provided. Collection method: in vitro. Allele origin: not applicable. Functional consequence: skipped exon. Not counted in ClinVar's aggregate classification.

Dr. Peter K. Rogan Lab, Western University
No classification provided (evidence only). Condition: Sarcoma. Review status: no classification provided. Collection method: in vitro. Allele origin: not applicable. Functional consequence: skipped exon. Not counted in ClinVar's aggregate classification.

Dr. Peter K. Rogan Lab, Western University
No classification provided (evidence only). Condition: Sarcoma. Review status: no classification provided. Collection method: in vitro. Allele origin: not applicable. Functional consequence: skipped exon. Not counted in ClinVar's aggregate classification.

Dr. Peter K. Rogan Lab, Western University
No classification provided (evidence only). Condition: Sarcoma. Review status: no classification provided. Collection method: in vitro. Allele origin: not applicable. Functional consequence: skipped exon. Not counted in ClinVar's aggregate classification.

Dr. Peter K. Rogan Lab, Western University
No classification provided (evidence only). Condition: Hepatocellular carcinoma. Review status: no classification provided. Collection method: in vitro. Allele origin: not applicable. Functional consequence: skipped exon. Not counted in ClinVar's aggregate classification.

Dr. Peter K. Rogan Lab, Western University
No classification provided (evidence only). Condition: Hepatocellular carcinoma. Review status: no classification provided. Collection method: in vitro. Allele origin: not applicable. Functional consequence: skipped exon. Not counted in ClinVar's aggregate classification.

Dr. Peter K. Rogan Lab, Western University
No classification provided (evidence only). Condition: Nonpapillary renal cell carcinoma. Review status: no classification provided. Collection method: in vitro. Allele origin: not applicable. Functional consequence: retained intron. Not counted in ClinVar's aggregate classification.

Dr. Peter K. Rogan Lab, Western University
No classification provided (evidence only). Condition: Thymoma. Review status: no classification provided. Collection method: in vitro. Allele origin: not applicable. Functional consequence: skipped exon, retained intron. Not counted in ClinVar's aggregate classification.

Dr. Peter K. Rogan Lab, Western University
No classification provided (evidence only). Condition: Thymoma. Review status: no classification provided. Collection method: in vitro. Allele origin: not applicable. Functional consequence: skipped exon. Not counted in ClinVar's aggregate classification.

Dr. Peter K. Rogan Lab, Western University
No classification provided (evidence only). Condition: Thymoma. Review status: no classification provided. Collection method: in vitro. Allele origin: not applicable. Functional consequence: skipped exon. Not counted in ClinVar's aggregate classification.

Dr. Peter K. Rogan Lab, Western University
No classification provided (evidence only). Condition: Thymoma. Review status: no classification provided. Collection method: in vitro. Allele origin: not applicable. Functional consequence: skipped exon, retained intron. Not counted in ClinVar's aggregate classification.

Dr. Peter K. Rogan Lab, Western University
No classification provided (evidence only). Condition: Ovarian serous cystadenocarcinoma. Review status: no classification provided. Collection method: in vitro. Allele origin: not applicable. Functional consequence: retained intron. Not counted in ClinVar's aggregate classification.

Dr. Peter K. Rogan Lab, Western University
No classification provided (evidence only). Condition: Ovarian serous cystadenocarcinoma. Review status: no classification provided. Collection method: in vitro. Allele origin: not applicable. Functional consequence: retained intron. Not counted in ClinVar's aggregate classification.

NM_001378204.1(CCDC18):c.3324G>T (p.Arg1108Ser)

Gene: CCDC18 (coiled-coil domain containing 18; plus strand). Cytogenetic location: 1p22.1.
Variant type: single nucleotide variant.
Coding change: c.3324G>T on transcript NM_001378204.1 (MANE Select); coding-DNA position 3324, G replaced by T.
Protein change: p.Arg1108Ser; replaces arginine 1108 with serine.
Molecular consequence: missense variant.
Genome position (GRCh38, 1-based): chr1:93,254,596, G>T. VCF-style: chr1-93254596-G-T. GRCh37 (hg19) VCF-style: chr1-93720153-G-T.
Other names: NC_000001.10:g.93720153G>T; c.3321G>T, p.Arg1107Ser (NM_001306076.1); c.3324G>T, p.Arg1108Ser (NM_206886.4); short protein forms R1107S, R1108S.
Identifiers: ClinVar variation 3055670 (VCV003055670.3), dbSNP rs61729705, ClinGen allele CA954543.